The following is an entry in ClinVar:

ClinVar aggregate classification (germline): Pathogenic. Review status: reviewed by expert panel (3 of 4 stars). 7 submissions from 7 submitters: Pathogenic (1). 6 of the submissions do not count toward it. Last evaluated 2020-11-09.

Conditions:
Phenylketonuria (PKU). Also called: Phenylketonuria (PKU); FOLLING DISEASE; OLIGOPHRENIA PHENYLPYRUVICA; Phenylketonurias. Identifiers: Orphanet 716, MedGen C0031485, MONDO:0009861, OMIM 261600. Disease mechanism: loss of function.

Allele frequency attached by ClinVar (database versions not stated): gnomAD exomes 0.00001; ExAC 0.00001.
gnomAD v4.1: 10 of 1,613,910 alleles (0.00062%); highest among the groups gnomAD compares: Non-Finnish European, 0.00085%; no homozygotes.

Submissions (7):

ClinGen PAH Variant Curation Expert Panel
Classification: Pathogenic for Phenylketonuria. Last evaluated: 2020-11-09. Review status: reviewed by expert panel. Criteria: ClinGen PAH ACMG Specifications v1. Collection method: curation. Allele origin: germline. Inheritance: Autosomal recessive inheritance.
Comment: The c.1012G>T (p.Asp338Tyr) variant in PAH has been reported in multiple individuals with PAH deficiency (BH4 deficiency excluded, PMID: 27121329, PMID: 21147011). This variant has an extremely low allele frequency in gnomAD (MAF=0.00002). This variant was detected with multiple pathogenic variants: p.P281L (PMID: 16601866); p.F299C (PMID: 7913581); p.I65T (PMID: 17502162); c.1066-11G>A (PMID: 31623983); p.Arg261*, p.Phe55Leu (PMID: 26655635). Multiple lines of computational evidence do not agree on predicted pathogenicity (Deleterious in SIFT, PolyPhen, Polymorphism in MutationTaster). In summary, this variant meets criteria to be classified as pathogenic for PAH. PAH-specific ACMG/AMP criteria applied: PM3_very-strong, PM2, PP4_Moderate.

Natera, Inc.
Classification: Pathogenic for Phenylketonuria. Last evaluated: 2025-06-16. Review status: criteria provided, single submitter. Criteria: Natera Variant Classification Schema (03/2026). Collection method: clinical testing. Allele origin: germline. Not counted in ClinVar's aggregate classification.
Comment: The c.1012G>T variant in PAH is a missense variant predicted to cause substitution of aspartic acid to tyrosine at amino acid 338. This variant is rare in the general population with a frequency below the threshold expected for the associated phenotype(s). This variant has been observed in one or more individuals affected with the associated recessive disease, as either homozygous or compound heterozygous with a second variant (PMID: 23690520, 19292873). Given the available evidence, this variant is classified as Pathogenic.

Labcorp Genetics (formerly Invitae), Labcorp
Classification: Pathogenic for Phenylketonuria. Last evaluated: 2024-06-26. Review status: criteria provided, single submitter. Criteria: Invitae Variant Classification Sherloc (09022015). Collection method: clinical testing. Allele origin: germline. Not counted in ClinVar's aggregate classification.
Comment: This sequence change replaces aspartic acid, which is acidic and polar, with tyrosine, which is neutral and polar, at codon 338 of the PAH protein (p.Asp338Tyr). This variant is present in population databases (rs62516150, gnomAD 0.002%). This missense change has been observed in individual(s) with hyperphenylalaninemia (PMID: 7913581, 17502162, 19292873, 25882749). In at least one individual the data is consistent with being in trans (on the opposite chromosome) from a pathogenic variant. ClinVar contains an entry for this variant (Variation ID: 102468). Advanced modeling of protein sequence and biophysical properties (such as structural, functional, and spatial information, amino acid conservation, physicochemical variation, residue mobility, and thermodynamic stability) performed at Invitae indicates that this missense variant is not expected to disrupt PAH protein function with a negative predictive value of 80%. For these reasons, this variant has been classified as Pathogenic.

Baylor Genetics
Classification: Pathogenic for Phenylketonuria. Last evaluated: 2023-07-19. Review status: criteria provided, single submitter. Criteria: ACMG Guidelines, 2015. Collection method: clinical testing. Allele origin: unknown. Not counted in ClinVar's aggregate classification.

Myriad Genetics, Inc.
Classification: Pathogenic for Phenylketonuria. Last evaluated: 2021-11-17. Review status: criteria provided, single submitter. Criteria: Myriad Women's Health Autosomal Recessive and X-Linked Classification Criteria (2021). Collection method: clinical testing. Allele origin: unknown. Not counted in ClinVar's aggregate classification.
Comment: NM_000277.1(PAH):c.1012G>T(D338Y) is a missense variant classified as pathogenic in the context of phenylalanine hydroxylase deficiency. Please note that the D338Y variant can be associated with any form of this disease. D338Y has been observed in cases with relevant disease (PMID: 32668217, 7913581, 26655635). Functional assessments of this variant are not available in the literature. D338Y has been observed in population frequency databases (gnomAD: NFE 0.002%). In summary, NM_000277.1(PAH):c.1012G>T(D338Y) is a missense variant that has been observed more frequently in cases with the relevant disease than in healthy populations. Please note: this variant was assessed in the context of healthy population screening.

Women's Health and Genetics/Laboratory Corporation of America, LabCorp
Classification: Pathogenic for Phenylketonuria. Last evaluated: 2019-09-09. Review status: criteria provided, single submitter. Criteria: LabCorp Variant Classification Summary - May 2015. Collection method: clinical testing. Allele origin: germline. Not counted in ClinVar's aggregate classification.
Comment: Variant summary: PAH c.1012G>T (p.Asp338Tyr) results in a non-conservative amino acid change located in the Aromatic amino acid hydroxylase, C-terminal (IPR019774) of the encoded protein sequence. Four of five in-silico tools predict a damaging effect of the variant on protein function. The variant allele was found at a frequency of 8e-06 in 251188 control chromosomes. c.1012G>T has been reported in the literature in multiple individuals affected with Phenylalanine Hydroxylase Deficiency (Phenylketonuria- eg Rozen_1994, Kayaalp_1997, Carter_1998, Aldamiz-Echevarria_2016). These data indicate that the variant is very likely to be associated with disease. To our knowledge, no experimental evidence demonstrating an impact on protein function has been reported. A ClinVar submission (evaluation after 2014) cites the variant as pathogenic. Based on the evidence outlined above, the variant was classified as pathogenic.

DeBelle Laboratory for Biochemical Genetics, MUHC/MCH RESEARCH INSTITUTE
No classification provided. Review status: no classification provided. Collection method: not provided. Allele origin: not provided. Not counted in ClinVar's aggregate classification.

Literature cited by the submitters: PubMed 7913581 (cited by 4 submitters); PubMed 21147011 (cited by ClinGen PAH Variant Curation Expert Panel); PubMed 16601866 (cited by ClinGen PAH Variant Curation Expert Panel and Women's Health and Genetics/Laboratory Corporation of America, LabCorp); PubMed 23690520 (cited by Natera, Inc.); PubMed 19292873 (cited by Natera, Inc. and Labcorp Genetics (formerly Invitae), Labcorp); PubMed 17502162 (cited by Labcorp Genetics (formerly Invitae), Labcorp and Women's Health and Genetics/Laboratory Corporation of America, LabCorp); PubMed 25882749 (cited by Labcorp Genetics (formerly Invitae), Labcorp); PubMed 26655635 (cited by Myriad Genetics, Inc.); PubMed 32668217 (cited by Myriad Genetics, Inc.); PubMed 9781015 (cited by Women's Health and Genetics/Laboratory Corporation of America, LabCorp); PubMed 9399896 (cited by Women's Health and Genetics/Laboratory Corporation of America, LabCorp); PubMed 23430918 (cited by Women's Health and Genetics/Laboratory Corporation of America, LabCorp); PubMed 27121329 (cited by Women's Health and Genetics/Laboratory Corporation of America, LabCorp).

NM_000277.3(PAH):c.1012G>T (p.Asp338Tyr)

Gene: PAH (phenylalanine hydroxylase; minus strand). Cytogenetic location: 12q23.2.
Variant type: single nucleotide variant.
Coding change: c.1012G>T on transcript NM_000277.3 (MANE Select); coding-DNA position 1012, G replaced by T.
Protein change: p.Asp338Tyr; replaces aspartic acid 338 with tyrosine.
Molecular consequence: missense variant.
Genome position (GRCh38, 1-based): chr12:102,844,389, C>A on the plus strand (G>T on the coding strand, the complement: PAH is on the minus strand). VCF-style: chr12-102844389-C-A. GRCh37 (hg19) VCF-style: chr12-103238167-C-A.
Other names: NM_000277.2(PAH):c.1012G>T; c.1012G>T, p.Asp338Tyr (NM_001354304.2); c.1012G>T (NM_000277.2); short protein forms D338Y.
Identifiers: ClinVar variation 102468 (VCV000102468.16), dbSNP rs62516150, ClinGen allele CA229269.